The following is an entry in ClinVar:

ClinVar aggregate classification (germline): Uncertain significance (1 of 4 stars; one submission).

Allele frequency attached by ClinVar (database versions not stated): gnomAD 0.00001; TOPMed 0.00002; ExAC 0.00003; gnomAD exomes 0.00003; ESP Exome Variant Server 0.00008.
gnomAD v4.1: 42 of 1,605,282 alleles (0.0026%); highest among the groups gnomAD compares: East Asian, 0.016%; no homozygotes.

Submission:

Labcorp Genetics (formerly Invitae), Labcorp
Classification: Uncertain significance. Last evaluated: 2024-02-24. Review status: criteria provided, single submitter. Criteria: Invitae Variant Classification Sherloc (09022015). Collection method: clinical testing. Allele origin: germline.
Comment: This sequence change falls in intron 7 of the RFWD3 gene. It does not directly change the encoded amino acid sequence of the RFWD3 protein. It affects a nucleotide within the consensus splice site. This variant is present in population databases (rs372058733, gnomAD 0.01%). This variant has not been reported in the literature in individuals affected with RFWD3-related conditions. Variants that disrupt the consensus splice site are a relatively common cause of aberrant splicing (PMID: 17576681, 9536098). Algorithms developed to predict the effect of sequence changes on RNA splicing suggest that this variant is not likely to affect RNA splicing. In summary, the available evidence is currently insufficient to determine the role of this variant in disease. Therefore, it has been classified as a Variant of Uncertain Significance.

Literature cited by the submitters: PubMed 17576681; PubMed 9536098.

NM_018124.4(RFWD3):c.1194+4C>T

Gene: RFWD3 (ring finger and WD repeat domain 3; minus strand). Cytogenetic location: 16q23.1.
Variant type: single nucleotide variant.
Coding change: c.1194+4C>T on transcript NM_018124.4 (MANE Select); 4 bases into the intron after coding-DNA position 1194, C replaced by T.
Molecular consequence: intron variant.
Genome position (GRCh38, 1-based): chr16:74,637,852, G>A on the plus strand (C>T on the coding strand, the complement: RFWD3 is on the minus strand). VCF-style: chr16-74637852-G-A. GRCh37 (hg19) VCF-style: chr16-74671750-G-A.
Other names: c.1194+4C>T (NM_001370534.1, NM_001370536.1, NM_001370535.1); c.360+4C>T (NM_001370539.1, NM_001370537.1, NM_001370543.1 and 2 more transcripts).
Identifiers: ClinVar variation 2899537 (VCV002899537.3), dbSNP rs372058733, ClinGen allele CA8169287.
Genomic context (GRCh38, chr16:74,637,852, plus strand): 5'-TAACATTAGCTTCCTCTTCCATTCCTATTCCAAAAGTTCTTTGGATTAGAAAGGACAAAC[G>A]TACCTGAACACGCCTTTGAAGCCTAGTGCACTTATCAGTGAGGACCTGCAGTTGGAGTCG-3'